The following is an entry in ClinVar:

ClinVar aggregate classification (germline): Uncertain significance. Review status: criteria provided, single submitter (1 of 4 stars). 2 submissions from 2 submitters: Uncertain significance (1). 1 of the submissions does not count toward it. Last evaluated 2022-06-22.

Conditions:
Multiple acyl-CoA dehydrogenase deficiency (MADD). Also called: Glutaric aciduria, type 2; Glutaric Acidemia type 2; ETHYLMALONIC-ADIPICACIDURIA; GA II; Glutaric acidemia type II; GA 2. Identifiers: Orphanet 26791, MedGen C0268596, MONDO:0009282, OMIM 231680.
Glutaric acidemia type 2C.

Submissions (2):

Labcorp Genetics (formerly Invitae), Labcorp
Classification: Uncertain significance for Multiple acyl-CoA dehydrogenase deficiency. Last evaluated: 2022-06-22. Review status: criteria provided, single submitter. Criteria: Invitae Variant Classification Sherloc (09022015). Collection method: clinical testing. Allele origin: germline.
Comment: Algorithms developed to predict the effect of missense changes on protein structure and function (SIFT, PolyPhen-2, Align-GVGD) all suggest that this variant is likely to be disruptive. ClinVar contains an entry for this variant (Variation ID: 843206). This missense change has been observed in individuals with multiple acyl-CoA dehydrogenase deficiency (PMID: 31268564; Invitae). This variant is not present in population databases (gnomAD no frequency). This sequence change replaces serine, which is neutral and polar, with phenylalanine, which is neutral and non-polar, at codon 373 of the ETFDH protein (p.Ser373Phe). In summary, the available evidence is currently insufficient to determine the role of this variant in disease. Therefore, it has been classified as a Variant of Uncertain Significance.

Natera, Inc.
Classification: Uncertain significance for Glutaric acidemia type 2C. Last evaluated: 2020-03-11. Review status: no assertion criteria provided. Collection method: clinical testing. Allele origin: germline. Not counted in ClinVar's aggregate classification.

Literature cited by the submitters: PubMed 31268564 (cited by Labcorp Genetics (formerly Invitae), Labcorp).

NM_004453.4(ETFDH):c.1118C>T (p.Ser373Phe)

Gene: ETFDH (electron transfer flavoprotein dehydrogenase; plus strand). Cytogenetic location: 4q32.1.
Variant type: single nucleotide variant.
Coding change: c.1118C>T on transcript NM_004453.4 (MANE Select); coding-DNA position 1118, C replaced by T.
Protein change: p.Ser373Phe; replaces serine 373 with phenylalanine.
Molecular consequence: missense variant.
Genome position (GRCh38, 1-based): chr4:158,703,424, C>T. VCF-style: chr4-158703424-C-T. GRCh37 (hg19) VCF-style: chr4-159624576-C-T.
Other names: c.977C>T, p.Ser326Phe (NM_001281737.2); c.935C>T, p.Ser312Phe (NM_001281738.1); short protein forms S326F, S373F, S312F.
Identifiers: ClinVar variation 843206 (VCV000843206.9), dbSNP rs1774518388, ClinGen allele CA358562683.